The following is an entry in ClinVar:

NM_001099922.3(ALG13):c.2668G>C (p.Val890Leu)

Gene: ALG13 (ALG13 UDP-N-acetylglucosaminyltransferase subunit; plus strand). Cytogenetic location: Xq23.
Variant type: single nucleotide variant.
Coding change: c.2668G>C on transcript NM_001099922.3 (MANE Select); coding-DNA position 2668, G replaced by C.
Protein change: p.Val890Leu; replaces valine 890 with leucine.
Molecular consequence: missense variant. On other transcripts: non-coding transcript variant (1).
Genome position (GRCh38, 1-based): chrX:111,736,852, G>C. VCF-style: chrX-111736852-G-C. GRCh37 (hg19) VCF-style: chrX-110980080-G-C.
Other names: c.2356G>C, p.Val786Leu (NM_001257230.2, NM_001257234.2, NM_001257237.2); c.2434G>C, p.Val812Leu (NM_001257231.2); c.2668G>C, p.Val890Leu (NM_001324292.2); c.2182G>C, p.Val728Leu (NM_001324293.1); short protein forms V786L, V812L, V890L, V728L.
Identifiers: ClinVar variation 2810572 (VCV002810572.4), dbSNP rs1943292894, ClinGen allele CA414254589.
Genomic context (GRCh38, chrX:111,736,852, plus strand): 5'-GCTAATCAAGCTATTAGTACCACTTCAGTTTCCTCACAGAATGCTATACAGCCTCTCTTT[G>C]TATCTCCACCTACACACGGCAGGCCAGGTAGGTTATTAGCAGATGCTTACTTTGGAAGCC-3'
Protein context (NP_001093392.1, residues 880-900): SSQNAIQPLF[Val890Leu]SPPTHGRPVI

ClinVar aggregate classification (germline): Uncertain significance. Review status: criteria provided, multiple submitters, no conflicts (2 of 4 stars). 2 submissions from 2 submitters: Uncertain significance (2). Last evaluated 2023-11-15.

Conditions:
Developmental and epileptic encephalopathy, 36 (DEE36). Also called: Epileptic encephalopathy, early infantile, 36; ALG13-CDG; Congenital disorder of glycosylation, type Is. Identifiers: Orphanet 324422, MedGen C4317295, MONDO:0010472, OMIM 300884.

Allele frequency attached by ClinVar (database versions not stated): TOPMed 0.00001.

Submissions (2):

GeneDx
Classification: Uncertain significance. Last evaluated: 2023-11-15. Review status: criteria provided, single submitter. Criteria: GeneDx Variant Classification Process June 2021. Collection method: clinical testing. Allele origin: germline. Affected: yes.
Comment: Not observed at significant frequency in large population cohorts (gnomAD); In silico analysis supports that this missense variant does not alter protein structure/function; Has not been previously published as pathogenic or benign to our knowledge

Labcorp Genetics (formerly Invitae), Labcorp
Classification: Uncertain significance for Developmental and epileptic encephalopathy, 36. Last evaluated: 2022-12-30. Review status: criteria provided, single submitter. Criteria: Invitae Variant Classification Sherloc (09022015). Collection method: clinical testing. Allele origin: germline.
Comment: This variant has not been reported in the literature in individuals affected with ALG13-related conditions. In summary, the available evidence is currently insufficient to determine the role of this variant in disease. Therefore, it has been classified as a Variant of Uncertain Significance. Advanced modeling of protein sequence and biophysical properties (such as structural, functional, and spatial information, amino acid conservation, physicochemical variation, residue mobility, and thermodynamic stability) performed at Invitae indicates that this missense variant is not expected to disrupt ALG13 protein function. This variant is not present in population databases (gnomAD no frequency). This sequence change replaces valine, which is neutral and non-polar, with leucine, which is neutral and non-polar, at codon 890 of the ALG13 protein (p.Val890Leu).